The following is an entry in ClinVar:

ClinVar aggregate classification (germline): Benign/Likely benign. Review status: criteria provided, multiple submitters, no conflicts (2 of 4 stars). 9 submissions from 9 submitters: Benign (6); Likely benign (1). 2 of the submissions do not count toward it. Last evaluated 2026-02-03.

Conditions:
Congenital dyserythropoietic anemia, type I. Also called: Dyserythropoietic anemia, congenital type 1. Identifiers: Orphanet 98869, MedGen C0271933, MONDO:0020337. Disease mechanism: loss of function.
Anemia, congenital dyserythropoietic, type 1a (CDAN1A). Also called: CDAN1-Related Congenital Dyserythropoietic Anemia; DYSERYTHROPOIETIC ANEMIA, CONGENITAL, TYPE Ia. Identifiers: MedGen C5574667, MONDO:0009135, OMIM 224120.

Allele frequency attached by ClinVar (database versions not stated): gnomAD 0.06074 and 0.06311; ESP Exome Variant Server 0.06168; TOPMed 0.06622; 1000 Genomes Project 30x 0.07792; 1000 Genomes Project 0.07847; gnomAD exomes 0.02980; ExAC 0.03322.
gnomAD v4.1: 34,440 of 1,614,006 alleles (2.1%); highest among the groups gnomAD compares: African/African-American, 18%; 1,547 homozygotes.

Submissions (9):

Labcorp Genetics (formerly Invitae), Labcorp
Classification: Benign. Last evaluated: 2026-02-03. Review status: criteria provided, single submitter. Criteria: Invitae Variant Classification Sherloc (09022015). Collection method: clinical testing. Allele origin: germline.

ARUP Laboratories, Molecular Genetics and Genomics, ARUP Laboratories
Classification: Benign for Anemia, congenital dyserythropoietic, type 1a. Last evaluated: 2025-07-28. Review status: criteria provided, single submitter. Criteria: ARUP Molecular Germline Variant Investigation Process 2024. Collection method: clinical testing. Allele origin: germline.

Blueprint Genetics
Classification: Likely benign. Last evaluated: 2024-11-27. Review status: criteria provided, single submitter. Criteria: ACMG Guidelines, 2015. Collection method: clinical testing. Allele origin: germline.

GeneDx
Classification: Benign. Last evaluated: 2021-05-11. Review status: criteria provided, single submitter. Criteria: GeneDx Variant Classification Process June 2021. Collection method: clinical testing. Allele origin: germline. Affected: yes.

Illumina Laboratory Services, Illumina
Classification: Benign for Anemia, congenital dyserythropoietic, type 1a. Last evaluated: 2018-01-13. Review status: criteria provided, single submitter. Criteria: ICSL Variant Classification Criteria 13 December 2019. Collection method: clinical testing. Allele origin: germline.
Comment: This variant was observed in the ICSL laboratory as part of a predisposition screen in an ostensibly healthy population. It had not been previously curated by ICSL or reported in the Human Gene Mutation Database (HGMD: prior to June 1st, 2018), and was therefore a candidate for classification through an automated scoring system. Utilizing variant allele frequency, disease prevalence and penetrance estimates, and inheritance mode, an automated score was calculated to assess if this variant is too frequent to cause the disease. Based on the score and internal cut-off values, a variant classified as benign is not then subjected to further curation. The score for this variant resulted in a classification of benign for this disease.

Breakthrough Genomics
Classification: Benign. Review status: criteria provided, single submitter. Criteria: ACMG Guidelines, 2015. Collection method: not provided. Allele origin: germline. Inheritance: Autosomal recessive inheritance. Affected: yes.

PreventionGenetics, part of Exact Sciences
Classification: Benign. Review status: criteria provided, single submitter. Criteria: ACMG Guidelines, 2015. Collection method: clinical testing. Allele origin: germline.

Joint Genome Diagnostic Labs from Nijmegen and Maastricht, Radboudumc and MUMC+
Classification: Benign. Review status: no assertion criteria provided. Collection method: clinical testing. Allele origin: germline. Affected: yes. Study: VKGL Data-share Consensus. Not counted in ClinVar's aggregate classification.

Laboratory of Diagnostic Genome Analysis, Leiden University Medical Center (LUMC)
Classification: Likely benign. Review status: no assertion criteria provided. Collection method: clinical testing. Allele origin: germline. Affected: yes. Study: VKGL Data-share Consensus. Not counted in ClinVar's aggregate classification.

NM_138477.4(CDAN1):c.3450+11C>T

Gene: CDAN1 (codanin 1; minus strand). Cytogenetic location: 15q15.2.
Variant type: single nucleotide variant.
Coding change: c.3450+11C>T on transcript NM_138477.4 (MANE Select); 11 bases into the intron after coding-DNA position 3450, C replaced by T.
Molecular consequence: intron variant.
Genome position (GRCh38, 1-based): chr15:42,725,478, G>A on the plus strand (C>T on the coding strand, the complement: CDAN1 is on the minus strand). VCF-style: chr15-42725478-G-A. GRCh37 (hg19) VCF-style: chr15-43017676-G-A.
Other names: c.3450+11C>T (LRG_1164t1).
Identifiers: ClinVar variation 262375 (VCV000262375.35), dbSNP rs56046122, ClinGen allele CA7515148.
Genomic context (GRCh38, chr15:42,725,478, plus strand): 5'-CATAGTTTGGGGCAAGGGTGGTGGATGTTCAGAGTGTGACTGCAGAGGGCTTCTTGTTCC[G>A]TCTGACTCACCTCCCTTGGCCTTGTGTCTGCCAGAAGCCCCACATTTCTTGGGCTCAGCA-3'